The following is an entry in ClinVar:

ClinVar aggregate classification (germline): Uncertain significance (1 of 4 stars; one submission).

Conditions:
Cardiovascular phenotype. Identifiers: MedGen CN230736.

Submission:

Ambry Genetics
Classification: Uncertain significance for Cardiovascular phenotype. Last evaluated: 2022-07-25. Review status: criteria provided, single submitter. Criteria: Ambry Variant Classification Scheme 2023. Collection method: clinical testing. Allele origin: germline.
Comment: The p.D137N variant (also known as c.409G>A), located in coding exon 3 of the LCAT gene, results from a G to A substitution at nucleotide position 409. The aspartic acid at codon 137 is replaced by asparagine, an amino acid with highly similar properties. This amino acid position is conserved. In addition, the in silico prediction for this alteration is inconclusive. Since supporting evidence is limited at this time, the clinical significance of this alteration remains unclear.

NM_000229.2(LCAT):c.409G>A (p.Asp137Asn)

Gene: LCAT (lecithin-cholesterol acyltransferase; minus strand). Cytogenetic location: 16q22.1.
Variant type: single nucleotide variant.
Coding change: c.409G>A on transcript NM_000229.2 (MANE Select); coding-DNA position 409, G replaced by A.
Protein change: p.Asp137Asn; replaces aspartic acid 137 with asparagine.
Molecular consequence: missense variant.
Genome position (GRCh38, 1-based): chr16:67,942,879, C>T on the plus strand (G>A on the coding strand, the complement: LCAT is on the minus strand). VCF-style: chr16-67942879-C-T. GRCh37 (hg19) VCF-style: chr16-67976782-C-T.
Other names: short protein forms D137N.
Identifiers: ClinVar variation 1737816 (VCV001737816.2), dbSNP rs2544406891, ClinGen allele CA396380706.